The following is an entry in ClinVar:

NM_001252024.2(TRPM1):c.1343del (p.Gly448fs)

Gene: TRPM1 (transient receptor potential cation channel subfamily M member 1; minus strand). Cytogenetic location: 15q13.3.
Variant type: Deletion.
Coding change: c.1343del on transcript NM_001252024.2 (MANE Select); coding-DNA position 1343, one base deleted (G; older notation c.1343delG).
Protein change: p.Gly448fs; shifts the reading frame from glycine 448.
Molecular consequence: frameshift variant.
Genome position (GRCh38, 1-based): chr15:31,050,503, C deleted on the plus strand (G on the coding strand, the reverse complement: TRPM1 is on the minus strand); the first of 3 consecutive C bases (chr15:31,050,503-31,050,505); deleting any one gives the same sequence. VCF-style (leftmost placement, unchanged base first): chr15-31050502-TC-T. GRCh37 (hg19) VCF-style: chr15-31342705-TC-T.
Other names: c.1394del, p.Gly465fs (NM_001252020.2); c.1277del, p.Gly426fs (NM_002420.6); short protein forms G426fs, G448fs, G465fs.
Identifiers: ClinVar variation 2111311 (VCV002111311.4), dbSNP rs2504151276, ClinGen allele CA2580089202.

ClinVar aggregate classification (germline): Pathogenic (1 of 4 stars; one submission).

Submission:

Labcorp Genetics (formerly Invitae), Labcorp
Classification: Pathogenic. Last evaluated: 2023-07-03. Review status: criteria provided, single submitter. Criteria: Invitae Variant Classification Sherloc (09022015). Collection method: clinical testing. Allele origin: germline.
Comment: For these reasons, this variant has been classified as Pathogenic. ClinVar contains an entry for this variant (Variation ID: 2111311). This variant has not been reported in the literature in individuals affected with TRPM1-related conditions. This variant is not present in population databases (gnomAD no frequency). This sequence change creates a premature translational stop signal (p.Gly426Glufs*14) in the TRPM1 gene. It is expected to result in an absent or disrupted protein product. Loss-of-function variants in TRPM1 are known to be pathogenic (PMID: 19896113, 19966281, 20300565).

Literature cited by the submitters: PubMed 19896113; PubMed 19966281; PubMed 20300565.